The following is an entry in ClinVar:

NM_001042492.3(NF1):c.3565C>T (p.Gln1189Ter)

Gene: NF1 (neurofibromin 1; plus strand). Cytogenetic location: 17q11.2.
Variant type: single nucleotide variant.
Coding change: c.3565C>T on transcript NM_001042492.3 (MANE Select); coding-DNA position 3565, C replaced by T.
Protein change: p.Gln1189Ter; replaces glutamine 1189 with a stop codon.
Molecular consequence: nonsense.
Genome position (GRCh38, 1-based): chr17:31,233,070, C>T. VCF-style: chr17-31233070-C-T. GRCh37 (hg19) VCF-style: chr17-29560088-C-T.
Other names: c.3565C>T, p.Gln1189Ter (NM_000267.4); short protein forms Q1189*.
Identifiers: ClinVar variation 237551 (VCV000237551.15), dbSNP rs878853884, ClinGen allele CA10583494.

ClinVar aggregate classification (germline): Pathogenic. Review status: criteria provided, multiple submitters, no conflicts (2 of 4 stars). 6 submissions from 6 submitters: Pathogenic (6). Last evaluated 2026-10-08.

Conditions:
NF1-related disorder. Also called: NF1-related condition. Identifiers: MedGen CN379171.
Cardiovascular phenotype. Identifiers: MedGen CN230736.
Hereditary cancer-predisposing syndrome. Also called: Neoplastic Syndromes, Hereditary; Hereditary Cancer Syndrome; Tumor predisposition; Hereditary neoplastic syndrome. Identifiers: Orphanet 140162, MedGen C0027672, MeSH D009386, MONDO:0015356.
Neurofibromatosis, type 1 (NF1). Also called: NEUROFIBROMATOSIS, TYPE I, SOMATIC; Peripheral type neurofibromatosis; Neurofibromatosis, type I; VON RECKLINGHAUSEN DISEASE. Identifiers: Orphanet 636, MedGen C0027831, MONDO:0018975, OMIM 162200. Disease mechanism: loss of function.

Submissions (6):

Clinical Genetics Laboratory, Skane University Hospital Lund
Classification: Pathogenic for Neurofibromatosis, type 1. Last evaluated: 2026-10-08. Review status: criteria provided, single submitter. Criteria: ACMG Guidelines, 2015. Collection method: clinical testing. Allele origin: germline. Affected: yes.
Comment: NF1 (NM_001042492.3) c.3565C>T, p.(Gln1189*) is a nucleotide substitution in exon 27 of 58 that introduces a premature stop codon, predicted to result in a truncated protein or loss of protein expression from the affected allele. NF1 c.3565C>T has not been observed in the general population. It has been previously described in the literature (PMID: 31717729) and is reported as pathogenic in ClinVar (Accession: VCV000237551.14). The variant has been classified as pathogenic based on the following ACMG criteria: PVS1, PS4_Supporting and PM2.

Blueprint Genetics
Classification: Pathogenic for NF1-related disorders. Last evaluated: 2024-09-18. Review status: criteria provided, single submitter. Criteria: ACMG Guidelines, 2015. Collection method: clinical testing. Allele origin: germline. Affected: yes. Observed: 1 variant allele.

Labcorp Genetics (formerly Invitae), Labcorp
Classification: Pathogenic for Neurofibromatosis, type 1. Last evaluated: 2023-12-09. Review status: criteria provided, single submitter. Criteria: Invitae Variant Classification Sherloc (09022015). Collection method: clinical testing. Allele origin: germline.
Comment: This sequence change creates a premature translational stop signal (p.Gln1189*) in the NF1 gene. It is expected to result in an absent or disrupted protein product. Loss-of-function variants in NF1 are known to be pathogenic (PMID: 10712197, 23913538). This variant is not present in population databases (gnomAD no frequency). This premature translational stop signal has been observed in individual(s) with neurofibromatosis type 1 (PMID: 21362601, 31717729). ClinVar contains an entry for this variant (Variation ID: 237551). For these reasons, this variant has been classified as Pathogenic.

Ambry Genetics
Classification: Pathogenic for Cardiovascular phenotype; Hereditary cancer-predisposing syndrome. Last evaluated: 2023-10-25. Review status: criteria provided, single submitter. Criteria: Ambry Variant Classification Scheme 2023. Collection method: clinical testing. Allele origin: germline.
Comment: The p.Q1189* pathogenic mutation (also known as c.3565C>T), located in coding exon 27 of the NF1 gene, results from a C to T substitution at nucleotide position 3565. This changes the amino acid from a glutamine to a stop codon within coding exon 27. This variant is considered to be rare based on population cohorts in the Genome Aggregation Database (gnomAD). This alteration has been reported in at least one individual with a clinical diagnosis of neurofibromatosis type 1 (Trovo AB et al. Genet Mol Bio. 2004 27(3):326-330). In addition to the clinical data presented in the literature, this alteration is expected to result in loss of function by premature protein truncation or nonsense-mediated mRNA decay. As such, this alteration is interpreted as a disease-causing mutation.

Genome-Nilou Lab
Classification: Pathogenic for Neurofibromatosis, type 1. Last evaluated: 2022-03-15. Review status: criteria provided, single submitter. Criteria: ACMG Guidelines, 2015. Collection method: clinical testing. Allele origin: germline. Affected: no.

Juno Genomics, Hangzhou Juno Genomics, Inc
Classification: Pathogenic for Neurofibromatosis, type 1. Review status: criteria provided, single submitter. Criteria: ACMG Guidelines, 2015. Collection method: clinical testing. Allele origin: germline. Affected: yes.
Comment: Absent from controls (or at extremely low frequency if recessive) in Genome Aggregation Database, Exome Sequencing Project, 1000 Genomes Project, or Exome Aggregation Consortium.;Null variant in a gene where loss of function (LOF) is a known mechanism of disease.;De novo (both maternity and paternity confirmed) in a patient with the disease and no family history.;The prevalence of the variant in affected individuals is significantly increased compared to the prevalence in controls.;Patient's phenotype or family history is highly specific for a disease with a single genetic etiology.

Literature cited by the submitters: PubMed 10712197 (cited by Labcorp Genetics (formerly Invitae), Labcorp); PubMed 23913538 (cited by Labcorp Genetics (formerly Invitae), Labcorp); PubMed 21362601 (cited by Labcorp Genetics (formerly Invitae), Labcorp); PubMed 31717729 (cited by Labcorp Genetics (formerly Invitae), Labcorp).